The following is an entry in ClinVar:

NM_001042545.2(LTBP4):c.882C>A (p.Cys294Ter)

Genes: LTBP4 (latent transforming growth factor beta binding protein 4; plus strand), LOC121627876 (Sharpr-MPRA regulatory region 12022; plus strand). Cytogenetic location: 19q13.2.
Variant type: single nucleotide variant.
Coding change: c.882C>A on transcript NM_001042545.2 (MANE Select); coding-DNA position 882, C replaced by A.
Protein change: p.Cys294Ter; replaces cysteine 294 with a stop codon.
Molecular consequence: nonsense.
Genome position (GRCh38, 1-based): chr19:40,606,417, C>A. VCF-style: chr19-40606417-C-A. GRCh37 (hg19) VCF-style: chr19-41112323-C-A.
Other names: c.1083C>A, p.Cys361Ter (NM_001042544.1); c.972C>A, p.Cys324Ter (NM_003573.2); short protein forms C294*, C361*, C324*.
Identifiers: ClinVar variation 2810706 (VCV002810706.3), dbSNP rs2515347595, ClinGen allele CA405934597.

ClinVar aggregate classification (germline): Pathogenic (1 of 4 stars; one submission).

Submission:

Labcorp Genetics (formerly Invitae), Labcorp
Classification: Pathogenic. Last evaluated: 2022-10-30. Review status: criteria provided, single submitter. Criteria: Invitae Variant Classification Sherloc (09022015). Collection method: clinical testing. Allele origin: germline.
Comment: This variant is not present in population databases (gnomAD no frequency). This sequence change creates a premature translational stop signal (p.Cys324*) in the LTBP4 gene. It is expected to result in an absent or disrupted protein product. Loss-of-function variants in LTBP4 are known to be pathogenic (PMID: 19836010, 22829427). This variant has not been reported in the literature in individuals affected with LTBP4-related conditions. For these reasons, this variant has been classified as Pathogenic.

Literature cited by the submitters: PubMed 19836010; PubMed 22829427.